The following is an entry in ClinVar:

ClinVar aggregate classification (germline): Uncertain significance (1 of 4 stars; one submission).

Submission:

GeneDx
Classification: Uncertain significance. Last evaluated: 2022-06-21. Review status: criteria provided, single submitter. Criteria: GeneDx Variant Classification Process June 2021. Collection method: clinical testing. Allele origin: germline. Affected: yes.
Comment: Not observed at significant frequency in large population cohorts (gnomAD); In silico analysis supports that this missense variant has a deleterious effect on protein structure/function; Has not been previously published as pathogenic or benign to our knowledge.

NM_015178.3(RHOBTB2):c.146A>C (p.His49Pro)

Gene: RHOBTB2 (Rho related BTB domain containing 2; plus strand). Cytogenetic location: 8p21.3.
Variant type: single nucleotide variant.
Coding change: c.146A>C on transcript NM_015178.3 (MANE Select); coding-DNA position 146, A replaced by C.
Protein change: p.His49Pro; replaces histidine 49 with proline.
Molecular consequence: missense variant.
Genome position (GRCh38, 1-based): chr8:23,004,580, A>C. VCF-style: chr8-23004580-A-C. GRCh37 (hg19) VCF-style: chr8-22862093-A-C.
Other names: c.212A>C, p.His71Pro (NM_001160036.2); c.167A>C, p.His56Pro (NM_001160037.2); c.146A>C, p.His49Pro (NM_001374791.1); short protein forms H49P, H56P, H71P.
Identifiers: ClinVar variation 1723798 (VCV001723798.2), dbSNP rs2486993604, ClinGen allele CA370558643.